The following is an entry in ClinVar:

NM_006949.4(STXBP2):c.1682G>C (p.Trp561Ser)

Gene: STXBP2 (syntaxin binding protein 2; plus strand). Cytogenetic location: 19p13.2.
Variant type: single nucleotide variant.
Coding change: c.1682G>C on transcript NM_006949.4 (MANE Select); coding-DNA position 1682, G replaced by C.
Protein change: p.Trp561Ser; replaces tryptophan 561 with serine.
Molecular consequence: missense variant. On other transcripts: non-coding transcript variant (1).
Genome position (GRCh38, 1-based): chr19:7,647,497, G>C. VCF-style: chr19-7647497-G-C. GRCh37 (hg19) VCF-style: chr19-7712383-G-C.
Other names: c.1673G>C, p.Trp558Ser (NM_001127396.3); c.1715G>C, p.Trp572Ser (NM_001272034.2); short protein forms W558S, W561S, W572S.
Identifiers: ClinVar variation 1447781 (VCV001447781.6), dbSNP rs537825002, ClinGen allele CA9144291.

ClinVar aggregate classification (germline): Uncertain significance (1 of 4 stars; one submission).

Conditions:
Familial hemophagocytic lymphohistiocytosis 5. Also called: STXBP2-Related Familial Hemophagocytic Lymphohistiocytosis (STXBP2-fHLH). Identifiers: Orphanet 540, MedGen C2751293, MONDO:0013135, OMIM 613101.

Allele frequency attached by ClinVar (database versions not stated): 1000 Genomes Project 30x 0.00031; 1000 Genomes Project 0.00040; gnomAD 0.00003; gnomAD exomes 0.00003 and 0.00009; ExAC 0.00013.
gnomAD v4.1: 43 of 1,601,396 alleles (0.0027%); highest among the groups gnomAD compares: South Asian, 0.045%; no homozygotes.

Submission:

Labcorp Genetics (formerly Invitae), Labcorp
Classification: Uncertain significance for Familial hemophagocytic lymphohistiocytosis 5. Last evaluated: 2023-12-07. Review status: criteria provided, single submitter. Criteria: Invitae Variant Classification Sherloc (09022015). Collection method: clinical testing. Allele origin: germline.
Comment: This sequence change replaces tryptophan, which is neutral and slightly polar, with serine, which is neutral and polar, at codon 561 of the STXBP2 protein (p.Trp561Ser). This variant is present in population databases (rs537825002, gnomAD 0.06%). This variant has not been reported in the literature in individuals affected with STXBP2-related conditions. ClinVar contains an entry for this variant (Variation ID: 1447781). Advanced modeling of protein sequence and biophysical properties (such as structural, functional, and spatial information, amino acid conservation, physicochemical variation, residue mobility, and thermodynamic stability) performed at Invitae indicates that this missense variant is not expected to disrupt STXBP2 protein function with a negative predictive value of 80%. In summary, the available evidence is currently insufficient to determine the role of this variant in disease. Therefore, it has been classified as a Variant of Uncertain Significance.